The following continues an entry in ClinVar:

NM_000059.4(BRCA2):c.5785A>G (p.Ile1929Val)

Gene: BRCA2. ClinVar aggregate classification (germline): Benign. Benign (1).

Submissions 16 to 37 of 37:

Sema4
Classification: Benign for Hereditary cancer-predisposing syndrome. Last evaluated: 2020-11-12. Review status: criteria provided, single submitter. Criteria: Sema4 Curation Guidelines. Collection method: curation. Allele origin: germline. Not counted in ClinVar's aggregate classification.

Illumina Laboratory Services, Illumina
Classification: Likely benign for Breast-ovarian cancer, familial, susceptibility to, 2. Last evaluated: 2018-03-06. Review status: criteria provided, single submitter. Criteria: ICSL Variant Classification Criteria 13 December 2019. Collection method: clinical testing. Allele origin: germline. Not counted in ClinVar's aggregate classification.
Comment: This variant was observed in the ICSL laboratory as part of a predisposition screen in an ostensibly healthy population. It had not been previously curated by ICSL or reported in the Human Gene Mutation Database (HGMD: prior to June 1st, 2018), and was therefore a candidate for classification through an automated scoring system. Utilizing variant allele frequency, disease prevalence and penetrance estimates, and inheritance mode, an automated score was calculated to assess if this variant is too frequent to cause the disease. Based on the score and internal cut-off values, a variant classified as likely benign is not then subjected to further curation. The score for this variant resulted in a classification of likely benign for this disease.

Illumina Laboratory Services, Illumina
Classification: Likely benign for Fanconi anemia complementation group D1. Last evaluated: 2018-03-06. Review status: criteria provided, single submitter. Criteria: ICSL Variant Classification Criteria 13 December 2019. Collection method: clinical testing. Allele origin: germline. Not counted in ClinVar's aggregate classification.
Comment: the same text as in the submission from Illumina Laboratory Services, Illumina above.

Cancer Genetics and Genomics Laboratory, British Columbia Cancer Agency
Classification: Benign. Last evaluated: 2017-04-18. Review status: criteria provided, single submitter. Criteria: ACMG Guidelines, 2015. Collection method: clinical testing. Allele origin: germline. Study: The Canadian Open Genetics Repository (COGR). Not counted in ClinVar's aggregate classification.

Genetic Services Laboratory, University of Chicago
Classification: Likely benign. Last evaluated: 2016-07-27. Review status: criteria provided, single submitter. Criteria: ACMG Guidelines, 2015. Collection method: clinical testing. Allele origin: germline. Affected: no. Not counted in ClinVar's aggregate classification.

GeneDx
Classification: Benign. Last evaluated: 2016-07-07. Review status: criteria provided, single submitter. Criteria: GeneDx Variant Classification (06012015). Collection method: clinical testing. Allele origin: germline. Affected: yes. Not counted in ClinVar's aggregate classification.
Comment: This variant is considered likely benign or benign based on one or more of the following criteria: it is a conservative change, it occurs at a poorly conserved position in the protein, it is predicted to be benign by multiple in silico algorithms, and/or has population frequency not consistent with disease.

Molecular Genetics Laboratory, University of Michigan
Classification: Benign for Breast-ovarian cancer, familial, susceptibility to, 2. Last evaluated: 2016-04-21. Review status: criteria provided, single submitter. Criteria: ACMG Guidelines, 2015. Collection method: clinical testing. Allele origin: germline. Affected: yes. Not counted in ClinVar's aggregate classification.

Laboratory for Molecular Medicine, Mass General Brigham Personalized Medicine
Classification: Benign. Last evaluated: 2016-03-28. Review status: criteria provided, single submitter. Criteria: LMM Criteria. Collection method: clinical testing. Allele origin: germline. Not counted in ClinVar's aggregate classification.
Comment: Variant identified in a genome or exome case(s) and assessed due to predicted null impact of the variant or pathogenic assertions in the literature or databases. Disclaimer: This variant has not undergone full assessment. The following are preliminary notes: ExAC: 1% (85/8650) East Asian chromosomes

Clinical Genetics DNA and cytogenetics Diagnostics Lab, Erasmus MC, Erasmus Medical Center
Classification: Benign for Breast-ovarian cancer, familial, susceptibility to, 2. Last evaluated: 2015-09-21. Review status: criteria provided, single submitter. Criteria: ACGS Guidelines, 2013. Collection method: clinical testing. Allele origin: germline. Affected: yes. Study: VKGL Data-share Consensus. Not counted in ClinVar's aggregate classification.

Color Diagnostics, LLC DBA Color Health
Classification: Benign for Hereditary cancer-predisposing syndrome. Last evaluated: 2015-04-10. Review status: criteria provided, single submitter. Criteria: ACMG Guidelines, 2015. Collection method: clinical testing. Allele origin: germline. Not counted in ClinVar's aggregate classification.

Ambry Genetics
Classification: Benign for Hereditary cancer-predisposing syndrome. Last evaluated: 2014-11-19. Review status: criteria provided, single submitter. Criteria: Ambry Variant Classification Scheme 2023. Collection method: clinical testing. Allele origin: germline. Not counted in ClinVar's aggregate classification.

Genome Diagnostics Laboratory, University Medical Center Utrecht
Classification: Benign for Breast-ovarian cancer, familial, susceptibility to, 2. Last evaluated: 2014-10-09. Review status: criteria provided, single submitter. Criteria: ACGS Guidelines, 2013. Collection method: clinical testing. Allele origin: germline. Affected: yes. Study: VKGL Data-share Consensus. Not counted in ClinVar's aggregate classification.

Eurofins Ntd Llc (ga)
Classification: Likely benign. Last evaluated: 2014-07-25. Review status: criteria provided, single submitter. Criteria: EGL Classification Definitions 2015. Collection method: clinical testing. Allele origin: germline. Observed: 1 variant allele, 1 heterozygote. Not counted in ClinVar's aggregate classification.

Pathway Genomics
Classification: Likely benign for hereditary breast and ovarian cancer, BROVCA2. Last evaluated: 2014-07-24. Review status: no assertion criteria provided. Collection method: literature only. Allele origin: germline. Not counted in ClinVar's aggregate classification.

Counsyl
Classification: Benign for Breast-ovarian cancer, familial 2. Last evaluated: 2014-05-16. Review status: no assertion criteria provided. Collection method: literature only. Allele origin: unknown. Inheritance: Autosomal dominant inheritance. Not counted in ClinVar's aggregate classification.

Sharing Clinical Reports Project (SCRP)
Classification: Benign for Breast-ovarian cancer, familial 2. Last evaluated: 2012-05-01. Review status: no assertion criteria provided. Collection method: clinical testing. Allele origin: germline. Not counted in ClinVar's aggregate classification.

Breast Cancer Information Core (BIC) (BRCA2)
No classification provided. Condition: Breast-ovarian cancer, familial 2. Review status: no classification provided. Collection method: clinical testing. Allele origin: germline. Affected: yes. Observed: 32 variant alleles. Not counted in ClinVar's aggregate classification.

Center for Precision Medicine, Meizhou People's Hospital
Classification: Likely benign for Familial cancer of breast. Review status: no assertion criteria provided. Collection method: literature only. Allele origin: germline. Affected: yes. Not counted in ClinVar's aggregate classification.

Clinical Genetics Laboratory, Department of Pathology, Netherlands Cancer Institute
Classification: Benign. Review status: no assertion criteria provided. Collection method: clinical testing. Allele origin: germline. Affected: yes. Study: VKGL Data-share Consensus. Not counted in ClinVar's aggregate classification.

Department of Pathology and Laboratory Medicine, Sinai Health System
Classification: Benign. Review status: no assertion criteria provided. Collection method: clinical testing. Allele origin: unknown. Affected: yes. Study: The Canadian Open Genetics Repository (COGR). Not counted in ClinVar's aggregate classification.
Comment: The p.Ile1929Val variant has been reported in the literature in 21/19278 proband chromosomes from individuals with HBOC, sporadic breast cancer, as well as benign breast disease. It was also identified in 15/1406 control chromosomes (Borg_2010, Capanu_2011, Caux_Moncoutier_2010, Haffty_2009, Han_2006, Kim_2006, Lindor_2012, Seo_2004, Suter_2004, Thirthagiri_2008). This variant has been previously identified in our lab (n=3; benign classification) and in the UMD (n=1), LOVD (n=2), Exome Server as well as BOCs (ACMG category 5) databases. It is listed in the dbSNP database as coming from a "clinical source" (ID#: rs79538375) with a MAF score of 0.001 (1000 Genomes), increasing the likelihood that this is a low frequency benign variant. This residue is not conserved in mammals and computational analyses (PolyPhen, SIFT, AlignGVGD) do not suggest a high likelihood of impact to the protein. However, this information is not predictive enough to rule out pathogenicity. In summary, based on the above information, this variant is classified as benign.

Diagnostic Laboratory, Department of Genetics, University Medical Center Groningen
Classification: Benign for Breast-ovarian cancer, familial, susceptibility to, 2. Review status: no assertion criteria provided. Collection method: clinical testing. Allele origin: germline. Affected: yes. Study: VKGL Data-share Consensus. Not counted in ClinVar's aggregate classification.

Joint Genome Diagnostic Labs from Nijmegen and Maastricht, Radboudumc and MUMC+
Classification: Benign. Review status: no assertion criteria provided. Collection method: clinical testing. Allele origin: germline. Affected: yes. Study: VKGL Data-share Consensus. Not counted in ClinVar's aggregate classification.

Literature cited by the submitters: PubMed 21990134 (cited by 4 submitters); PubMed 24323938 (cited by Pathway Genomics and Center for Precision Medicine, Meizhou People's Hospital); PubMed 18627636 (cited by 3 submitters); PubMed 16949048 (cited by Counsyl); PubMed 17100994 (cited by Counsyl); PubMed 17924331 (cited by Counsyl); PubMed 15365993 (cited by Counsyl); PubMed 19491284 (cited by Counsyl); PubMed 22486713 (cited by Counsyl); PubMed 21520273 (cited by Counsyl); PubMed 14973102 (cited by Counsyl).